The following is an entry in ClinVar:

NM_003921.5(BCL10):c.207dup (p.Asp70fs)

Gene: BCL10 (BCL10 immune signaling adaptor; minus strand). Cytogenetic location: 1p22.3.
Variant type: Duplication.
Coding change: c.207dup on transcript NM_003921.5 (MANE Select); coding-DNA position 207, one base duplicated (A; older notation c.207dupA).
Protein change: p.Asp70fs; shifts the reading frame from aspartic acid 70.
Molecular consequence: frameshift variant.
Genome position (GRCh38, 1-based): chr1:85,270,757, T duplicated on the plus strand (A on the coding strand, the reverse complement: BCL10 is on the minus strand). VCF-style (leftmost placement, unchanged base first): chr1-85270756-C-CT. GRCh37 (hg19) VCF-style: chr1-85736439-C-CT.
Other names: c.207dup, p.Asp70fs (NM_001320715.2); short protein forms D70fs.
Identifiers: ClinVar variation 3651130 (VCV003651130.2).

ClinVar aggregate classification (germline): Pathogenic (1 of 4 stars; one submission).

Conditions:
Immunodeficiency 37 (IMD37). Identifiers: MedGen C4015195, MONDO:0014491, OMIM 616098.

Submission:

Labcorp Genetics (formerly Invitae), Labcorp
Classification: Pathogenic for Immunodeficiency 37. Last evaluated: 2024-04-25. Review status: criteria provided, single submitter. Criteria: Invitae Variant Classification Sherloc (09022015). Collection method: clinical testing. Allele origin: germline.
Comment: This sequence change creates a premature translational stop signal (p.Asp70Argfs*15) in the BCL10 gene. It is expected to result in an absent or disrupted protein product. Loss-of-function variants in BCL10 are known to be pathogenic (PMID: 25365219, 32008135). This variant is not present in population databases (gnomAD no frequency). This variant has not been reported in the literature in individuals affected with BCL10-related conditions. For these reasons, this variant has been classified as Pathogenic.

Literature cited by the submitters: PubMed 25365219; PubMed 32008135.